The following is an entry in ClinVar:

ClinVar aggregate classification (germline): Conflicting classifications of pathogenicity. Review status: criteria provided, conflicting classifications (1 of 4 stars). 2 submissions from 2 submitters: Likely pathogenic (1); Uncertain significance (1). Last evaluated 2026-01-15.

Conditions:
Anorectal malformation. Identifiers: Orphanet 96346, MedGen CN305294, MONDO:0019938.

Submissions (2):

GeneDx
Classification: Uncertain significance. Last evaluated: 2026-01-15. Review status: criteria provided, single submitter. Criteria: GeneDx Variant Classification Process June 2021. Collection method: clinical testing. Allele origin: germline.
Comment: Not observed at significant frequency in large population cohorts (gnomAD); In silico analysis supports that this missense variant has a deleterious effect on protein structure/function; This variant is associated with the following publications: (PMID: 37816608)

Institute for Genomic Medicine, Nationwide Children's Hospital
Classification: Likely pathogenic for Anorectal malformation. Last evaluated: 2023-02-07. Review status: criteria provided, single submitter. Criteria: ACMG Guidelines, 2015. Collection method: clinical testing. Allele origin: paternal. Inheritance: Autosomal dominant inheritance. Affected: yes. Observed: 3 variant alleles, 3 heterozygotes. Clinical features observed: Abnormal rectum morphology (HP:0002034), Perineal fistula (HP:0004871).
Comment: It is absent from public allele frequency databases (gnomAD), and has not been reported in the literature to our knowledge. The variant is predicted to cause a missense change (p.Glu241Gly) that is damaging according to most in silico tools. It alters a highly conserved residue in the homeobox domain in a region (residues 228-242) that binds DNA (PMID: 28473536) and shows constraint for missense variation. Missense variants in this key domain have been reported in other patients with anorectal malformations (PMID: 29177441). We interpret this variant as likely pathogenic.

NM_001265.6(CDX2):c.722A>G (p.Glu241Gly)

Gene: CDX2 (caudal type homeobox 2; minus strand). Cytogenetic location: 13q12.2.
Variant type: single nucleotide variant.
Coding change: c.722A>G on transcript NM_001265.6 (MANE Select); coding-DNA position 722, A replaced by G.
Protein change: p.Glu241Gly; replaces glutamic acid 241 with glycine.
Molecular consequence: missense variant.
Genome position (GRCh38, 1-based): chr13:27,963,335, T>C on the plus strand (A>G on the coding strand, the complement: CDX2 is on the minus strand). VCF-style: chr13-27963335-T-C. GRCh37 (hg19) VCF-style: chr13-28537472-T-C.
Other names: c.718A>G, p.Arg240Gly (NM_001354700.2); c.722A>G (NM_001265.4); short protein forms E241G, R240G.
Identifiers: ClinVar variation 2429738 (VCV002429738.4), dbSNP rs2500255754, ClinGen allele CA387651150.